The following is an entry in ClinVar:

ClinVar aggregate classification (germline): Conflicting classifications of pathogenicity. Review status: criteria provided, conflicting classifications (1 of 4 stars). 7 submissions from 7 submitters: Uncertain significance (6); Likely benign (1). Last evaluated 2025-12-21.

Conditions:
Neurofibromatosis, type 1 (NF1). Also called: VON RECKLINGHAUSEN DISEASE; Neurofibromatosis, type I; NEUROFIBROMATOSIS, TYPE I, SOMATIC; Peripheral type neurofibromatosis. Identifiers: Orphanet 636, MedGen C0027831, MONDO:0018975, OMIM 162200. Disease mechanism: loss of function.
Cardiovascular phenotype. Identifiers: MedGen CN230736.
Hereditary cancer-predisposing syndrome. Also called: Hereditary Cancer Syndrome; Neoplastic Syndromes, Hereditary; Tumor predisposition; Hereditary neoplastic syndrome. Identifiers: Orphanet 140162, MedGen C0027672, MeSH D009386, MONDO:0015356.
Juvenile myelomonocytic leukemia (JMML). Also called: LEUKEMIA, JUVENILE MYELOMONOCYTIC, SOMATIC. Identifiers: Orphanet 86834, MedGen C0349639, MONDO:0011908, OMIM 607785, HP:0012209.
Neurofibromatosis-Noonan syndrome (NFNS). Also called: NEUROFIBROMATOSIS WITH NOONAN PHENOTYPE. Identifiers: Orphanet 638, MedGen C2931482, MONDO:0011035, OMIM 601321. Disease mechanism: loss of function.
Café-au-lait macules with pulmonary stenosis (WTSN). Also called: PULMONIC STENOSIS WITH CAFE-AU-LAIT SPOTS. Identifiers: MedGen C0553586, MONDO:0008672, OMIM 193520.
Neurofibromatosis, familial spinal (FSNF). Identifiers: Orphanet 636, MedGen C1834235, MONDO:0008078, OMIM 162210. Disease mechanism: loss of function.

Allele frequency attached by ClinVar (database versions not stated): TOPMed below 0.00001; ExAC 0.00001.

Submissions (7):

Labcorp Genetics (formerly Invitae), Labcorp
Classification: Likely benign for Neurofibromatosis, type 1. Last evaluated: 2025-12-21. Review status: criteria provided, single submitter. Criteria: Invitae Variant Classification Sherloc (09022015). Collection method: clinical testing. Allele origin: germline.

Ambry Genetics
Classification: Uncertain significance for Cardiovascular phenotype; Hereditary cancer-predisposing syndrome. Last evaluated: 2024-11-29. Review status: criteria provided, single submitter. Criteria: Ambry Variant Classification Scheme 2023. Collection method: clinical testing. Allele origin: germline.
Comment: The p.S1889C variant (also known as c.5666C>G), located in coding exon 38 of the NF1 gene, results from a C to G substitution at nucleotide position 5666. The serine at codon 1889 is replaced by cysteine, an amino acid with dissimilar properties. This amino acid position is highly conserved in available vertebrate species. In addition, this alteration is predicted to be deleterious by in silico analysis. Based on the available evidence, the clinical significance of this variant remains unclear.

Baylor Genetics
Classification: Uncertain significance for Juvenile myelomonocytic leukemia. Last evaluated: 2023-10-01. Review status: criteria provided, single submitter. Criteria: ACMG Guidelines, 2015. Collection method: clinical testing. Allele origin: unknown.

Genetics and Molecular Pathology, SA Pathology
Classification: Uncertain significance for Neurofibromatosis, type 1. Last evaluated: 2023-08-03. Review status: criteria provided, single submitter. Criteria: ACMG Guidelines, 2015. Collection method: clinical testing. Allele origin: germline. Affected: yes.

GeneDx
Classification: Uncertain significance. Last evaluated: 2023-03-30. Review status: criteria provided, single submitter. Criteria: GeneDx Variant Classification Process June 2021. Collection method: clinical testing. Allele origin: germline. Affected: yes.
Comment: In silico analysis supports that this missense variant has a deleterious effect on protein structure/function; Has not been previously published as pathogenic or benign to our knowledge; This variant is associated with the following publications: (PMID: 30287823)

Genome-Nilou Lab
Classification: Uncertain significance for Neurofibromatosis, type 1. Last evaluated: 2022-03-15. Review status: criteria provided, single submitter. Criteria: ACMG Guidelines, 2015. Collection method: clinical testing. Allele origin: germline. Affected: no.

Fulgent Genetics
Classification: Uncertain significance for Neurofibromatosis, type 1; Neurofibromatosis, familial spinal; Café-au-lait macules with pulmonary stenosis; Neurofibromatosis-Noonan syndrome; Juvenile myelomonocytic leukemia. Last evaluated: 2018-10-31. Review status: criteria provided, single submitter. Criteria: ACMG Guidelines, 2015. Collection method: clinical testing. Allele origin: unknown.

NM_001042492.3(NF1):c.5729C>G (p.Ser1910Cys)

Gene: NF1 (neurofibromin 1; plus strand). Cytogenetic location: 17q11.2.
Variant type: single nucleotide variant.
Coding change: c.5729C>G on transcript NM_001042492.3 (MANE Select); coding-DNA position 5729, C replaced by G.
Protein change: p.Ser1910Cys; replaces serine 1910 with cysteine.
Molecular consequence: missense variant.
Genome position (GRCh38, 1-based): chr17:31,330,415, C>G. VCF-style: chr17-31330415-C-G. GRCh37 (hg19) VCF-style: chr17-29657433-C-G.
Other names: c.5666C>G, p.Ser1889Cys (NM_000267.4); short protein forms S1889C, S1910C.
Identifiers: ClinVar variation 484003 (VCV000484003.19), dbSNP rs751904277, ClinGen allele CA8487218.